The following is an entry in ClinVar:

NM_006231.4(POLE):c.6494G>A (p.Arg2165His)

Gene: POLE (DNA polymerase epsilon, catalytic subunit; minus strand). Cytogenetic location: 12q24.33.
Variant type: single nucleotide variant.
Coding change: c.6494G>A on transcript NM_006231.4 (MANE Select); coding-DNA position 6494, G replaced by A.
Protein change: p.Arg2165His; replaces arginine 2165 with histidine.
Molecular consequence: missense variant.
Genome position (GRCh38, 1-based): chr12:132,626,154, C>T on the plus strand (G>A on the coding strand, the complement: POLE is on the minus strand). VCF-style: chr12-132626154-C-T. GRCh37 (hg19) VCF-style: chr12-133202740-C-T.
Other names: short protein forms R2165H.
Identifiers: ClinVar variation 220837 (VCV000220837.78), dbSNP rs5745068, ClinGen allele CA348363.

ClinVar aggregate classification (germline): Benign/Likely benign. Review status: criteria provided, multiple submitters, no conflicts (2 of 4 stars). 22 submissions from 22 submitters: Benign (11); Likely benign (5). 6 of the submissions do not count toward it. Last evaluated 2026-08-01.

Conditions:
Hereditary cancer-predisposing syndrome. Also called: Neoplastic Syndromes, Hereditary; Tumor predisposition; Hereditary Cancer Syndrome; Hereditary neoplastic syndrome. Identifiers: Orphanet 140162, MedGen C0027672, MeSH D009386, MONDO:0015356.
Colorectal cancer, susceptibility to, 12 (CRCS12). Also called: COLORECTAL CANCER, SUSCEPTIBILITY TO, ON CHROMOSOME 12q24. Identifiers: Orphanet 220460, MedGen C3554460, MONDO:0014038, OMIM 615083.

Allele frequency attached by ClinVar (database versions not stated): gnomAD exomes 0.00434 and 0.00589; gnomAD 0.00550 and 0.00573; TOPMed 0.00637; ESP Exome Variant Server 0.00677; 1000 Genomes Project 30x 0.00874; ExAC 0.00922; 1000 Genomes Project 0.00978.
gnomAD v4.1: 7,368 of 1,609,618 alleles (0.46%); highest among the groups gnomAD compares: Middle Eastern, 3%; 39 homozygotes.

Submissions (22):

CeGaT Center for Human Genetics Tuebingen
Classification: Benign. Last evaluated: 2026-08-01. Review status: criteria provided, single submitter. Criteria: CeGaT Center For Human Genetics Tuebingen Variant Classification Criteria Version 2. Collection method: clinical testing. Allele origin: germline. Affected: yes. Observed: 63 variant alleles.
Comment: POLE: BS1, BS2

Institute for Biomarker Research, Medical Diagnostic Laboratories, L.L.C.
Classification: Benign for Hereditary cancer-predisposing syndrome. Last evaluated: 2026-05-05. Review status: criteria provided, single submitter. Criteria: ACMG Guidelines, 2015. Collection method: clinical testing. Allele origin: germline.
Comment: The missense variant NM_006231.4(POLE):c.6494G>A (p.Arg2165His) has been reported to ClinVar as Benign/Likely benign with a status of (2 stars) criteria provided, multiple submitters, no conflicts (Accession: VCV000220837.73). The variant is observed in one or more well-documented healthy adults. The p.Arg2165His variant is observed in 177/5,868 (3.0164%) alleles from individuals of gnomAD v4 MiddleEastern background in gnomAD v4 All. There is a small physicochemical difference between arginine and histidine, which is not likely to impact secondary protein structure as these residues share similar properties.The nucleotide c.6494 in POLE is predicted conserved by GERP++ and PhyloP across 100 vertebrates. For these reasons, this variant has been classified as Benign.

Labcorp Genetics (formerly Invitae), Labcorp
Classification: Benign. Last evaluated: 2026-02-04. Review status: criteria provided, single submitter. Criteria: Invitae Variant Classification Sherloc (09022015). Collection method: clinical testing. Allele origin: germline.

ARUP Laboratories, Molecular Genetics and Genomics, ARUP Laboratories
Classification: Benign. Last evaluated: 2025-05-15. Review status: criteria provided, single submitter. Criteria: ARUP Molecular Germline Variant Investigation Process 2024. Collection method: clinical testing. Allele origin: germline.

Mayo Clinic Laboratories, Mayo Clinic
Classification: Likely benign. Last evaluated: 2025-03-24. Review status: criteria provided, single submitter. Criteria: ACMG Guidelines, 2015. Collection method: clinical testing. Allele origin: germline. Observed: 6 variant alleles.
Comment: BS1, BP4

Center for Genomic Medicine, Rigshospitalet, Copenhagen University Hospital
Classification: Benign. Last evaluated: 2025-03-04. Review status: criteria provided, single submitter. Criteria: ACMG Guidelines, 2015. Collection method: clinical testing. Allele origin: germline.

Blueprint Genetics
Classification: Likely benign. Last evaluated: 2024-11-26. Review status: criteria provided, single submitter. Criteria: ACMG Guidelines, 2015. Collection method: clinical testing. Allele origin: germline.

KCCC/NGS Laboratory, Kuwait Cancer Control Center
Classification: Benign for Colorectal cancer, susceptibility to, 12. Last evaluated: 2023-07-07. Review status: criteria provided, single submitter. Criteria: ACMG Guidelines, 2015. Collection method: clinical testing. Allele origin: germline. Affected: yes.

Genetic Services Laboratory, University of Chicago
Classification: Likely benign. Last evaluated: 2021-08-19. Review status: criteria provided, single submitter. Criteria: ACMG Guidelines, 2015. Collection method: clinical testing. Allele origin: germline. Affected: no.

Sema4
Classification: Benign for Hereditary cancer-predisposing syndrome. Last evaluated: 2021-05-11. Review status: criteria provided, single submitter. Criteria: Sema4 Curation Guidelines. Collection method: curation. Allele origin: germline.

Women's Health and Genetics/Laboratory Corporation of America, LabCorp
Classification: Benign. Last evaluated: 2018-01-29. Review status: criteria provided, single submitter. Criteria: LabCorp Variant Classification Summary - May 2015. Collection method: clinical testing. Allele origin: germline.
Comment: Variant summary: POLE c.6494G>A (p.Arg2165His) results in a non-conservative amino acid change in the encoded protein sequence. Four of five in-silico tools predict a damaging effect of the variant on protein function. The variant allele was found at a frequency of 0.0057 in 269142 control chromosomes in the gnomAD database, including 10 homozygotes. The observed variant frequency is approximately 402 fold above the estimated maximal expected allele frequency for a pathogenic variant in POLE causing Colorectal Cancer phenotype (1.4e-05), strongly suggesting that the variant is benign. The variant c.6494G>A has been reported in the literature in individuals affected with Colorectal Cancer. These report(s) do not provide unequivocal conclusions about the association of the variant with Colorectal Cancer. To our knowledge, no experimental evidence demonstrating an impact on protein function has been reported. Five clinical diagnostic laboratories have submitted clinical-significance assessments for this variant to ClinVar after 2014 without evidence for independent evaluation, with all laboratories classifying the variant as benign/likely benign. Based on the evidence outlined above, the variant was classified as benign.

Quest Diagnostics Nichols Institute San Juan Capistrano
Classification: Benign. Last evaluated: 2017-08-14. Review status: criteria provided, single submitter. Criteria: Quest Diagnostics criteria. Collection method: clinical testing. Allele origin: unknown.

PreventionGenetics, part of Exact Sciences
Classification: Benign. Last evaluated: 2017-07-07. Review status: criteria provided, single submitter. Criteria: ACMG Guidelines, 2015. Collection method: clinical testing. Allele origin: germline.

GeneDx
Classification: Benign. Last evaluated: 2017-05-17. Review status: criteria provided, single submitter. Criteria: GeneDx Variant Classification (06012015). Collection method: clinical testing. Allele origin: germline. Affected: yes.
Comment: This variant is considered likely benign or benign based on one or more of the following criteria: it is a conservative change, it occurs at a poorly conserved position in the protein, it is predicted to be benign by multiple in silico algorithms, and/or has population frequency not consistent with disease.

Ambry Genetics
Classification: Likely benign for Hereditary cancer-predisposing syndrome. Last evaluated: 2015-05-26. Review status: criteria provided, single submitter. Criteria: Ambry Variant Classification Scheme 2023. Collection method: clinical testing. Allele origin: germline.

Breakthrough Genomics
Classification: Likely benign. Review status: criteria provided, single submitter. Criteria: ACMG Guidelines, 2015. Collection method: not provided. Allele origin: germline. Inheritance: Autosomal recessive inheritance. Affected: yes.

True Health Diagnostics
Classification: Likely benign for Hereditary cancer-predisposing syndrome. Last evaluated: 2017-09-29. Review status: no assertion criteria provided. Collection method: clinical testing. Allele origin: germline. Not counted in ClinVar's aggregate classification.

Counsyl
Classification: Likely benign for Colorectal cancer, susceptibility to, 12. Last evaluated: 2016-06-08. Review status: no assertion criteria provided. Collection method: clinical testing. Allele origin: unknown. Not counted in ClinVar's aggregate classification.

Clinical Genetics, Academic Medical Center
Classification: Benign. Review status: no assertion criteria provided. Collection method: clinical testing. Allele origin: germline. Affected: yes. Study: VKGL Data-share Consensus. Not counted in ClinVar's aggregate classification.

Department of Pathology and Laboratory Medicine, Sinai Health System
Classification: Benign. Review status: no assertion criteria provided. Collection method: clinical testing. Allele origin: unknown. Affected: yes. Study: The Canadian Open Genetics Repository (COGR). Not counted in ClinVar's aggregate classification.
Comment: The POLE p.Arg2165His variant was identified in 6 of 600 proband chromosomes (frequency: 0.01) from individuals or families with endometrial carcinoma and breast cancer (Wong 2016, Maxwell 2016). The variant was also identified in the following databases: dbSNP (ID: rs5745068) as "With other allele", ClinVar (4x likely benign, 1x benign), and Clinvitae. The variant was not identified in Cosmic or the MutDB database. The variant was identified in control databases in 1538 of 269142 chromosomes (10 homozygous) at a frequency of 0.006 increasing the likelihood this could be a low frequency benign variant (Genome Aggregation Database Feb 27, 2017). It was observed in the following populations: African in 191 of 23136 chromosomes (freq: 0.008), Other in 48 of 6318 chromosomes (freq: 0.008), Latino in 93 of 33642 chromosomes (freq: 0.003), European in 474 of 122460 chromosomes (freq: 0.004), Ashkenazi Jewish in 117 of 9978 chromosomes (freq: 0.01), East Asian in 180 of 18418 chromosomes (freq: 0.01), Finnish in 8 of 25212 chromosomes (freq: 0.0003), and South Asian in 427 of 29978 chromosomes (freq: 0.01). The p.Arg2165 residue is conserved in mammals and computational analyses (PolyPhen-2, SIFT, AlignGVGD, BLOSUM, MutationTaster) provide inconsistent predictions regarding the impact to the protein; this information is not very predictive of pathogenicity. The variant occurs outside of the splicing consensus sequence and in silico or computational prediction software programs (SpliceSiteFinder, MaxEntScan, NNSPLICE, GeneSplicer, HumanSpliceFinder) do not predict a difference in splicing. In summary, based on the above information this variant meets our laboratory's criteria to be classified as benign.

Genome Diagnostics Laboratory, Amsterdam University Medical Center
Classification: Benign. Review status: no assertion criteria provided. Collection method: clinical testing. Allele origin: germline. Affected: yes. Study: VKGL Data-share Consensus. Not counted in ClinVar's aggregate classification.

Joint Genome Diagnostic Labs from Nijmegen and Maastricht, Radboudumc and MUMC+
Classification: Benign. Review status: no assertion criteria provided. Collection method: clinical testing. Allele origin: germline. Affected: yes. Study: VKGL Data-share Consensus. Not counted in ClinVar's aggregate classification.

Literature cited by the submitters: PubMed 28608266 (cited by Women's Health and Genetics/Laboratory Corporation of America, LabCorp); PubMed 27153395 (cited by Women's Health and Genetics/Laboratory Corporation of America, LabCorp); PubMed 26748215 (cited by Women's Health and Genetics/Laboratory Corporation of America, LabCorp and Counsyl).